The following is an entry in ClinVar:

NM_006031.6(PCNT):c.8075C>T (p.Ala2692Val)

Gene: PCNT (pericentrin; plus strand). Cytogenetic location: 21q22.3.
Variant type: single nucleotide variant.
Coding change: c.8075C>T on transcript NM_006031.6 (MANE Select); coding-DNA position 8075, C replaced by T.
Protein change: p.Ala2692Val; replaces alanine 2692 with valine.
Molecular consequence: missense variant.
Genome position (GRCh38, 1-based): chr21:46,431,539, C>T. VCF-style: chr21-46431539-C-T. GRCh37 (hg19) VCF-style: chr21-47851453-C-T.
Other names: c.8075C>T (NM_006031.5); c.7721C>T, p.Ala2574Val (NM_001315529.2); short protein forms A2574V, A2692V.
Identifiers: ClinVar variation 1935500 (VCV001935500.4), dbSNP rs776129482, ClinGen allele CA10080881.

ClinVar aggregate classification (germline): Uncertain significance. Review status: criteria provided, multiple submitters, no conflicts (2 of 4 stars). 3 submissions from 3 submitters: Uncertain significance (3). Last evaluated 2026-04-07.

Conditions:
PCNT-related disorder. Also called: PCNT-related condition.
Inborn genetic diseases. Identifiers: MedGen C0950123, MeSH D030342.

Allele frequency attached by ClinVar (database versions not stated): gnomAD exomes 0.00001; TOPMed 0.00001; gnomAD 0.00002.
gnomAD v4.1: 18 of 1,613,914 alleles (0.0011%); highest among the groups gnomAD compares: South Asian, 0.0088%; no homozygotes.

Submissions (3):

PreventionGenetics, part of Exact Sciences
Classification: Uncertain significance for PCNT-related condition. Last evaluated: 2026-04-07. Review status: criteria provided, single submitter. Criteria: ACMG Guidelines, 2015. Collection method: clinical testing. Allele origin: germline.
Comment: The PCNT c.8075C>T variant is predicted to result in the amino acid substitution p.Ala2692Val. To our knowledge, this variant has not been reported in the literature. This variant is reported in 0.0098% of alleles in individuals of South Asian descent in gnomAD. At this time, the clinical significance of this variant is uncertain due to the absence of conclusive functional and genetic evidence.

Ambry Genetics
Classification: Uncertain significance for Inborn genetic diseases. Last evaluated: 2025-05-01. Review status: criteria provided, single submitter. Criteria: Ambry Variant Classification Scheme 2023. Collection method: clinical testing. Allele origin: germline.

Labcorp Genetics (formerly Invitae), Labcorp
Classification: Uncertain significance. Last evaluated: 2022-03-09. Review status: criteria provided, single submitter. Criteria: Invitae Variant Classification Sherloc (09022015). Collection method: clinical testing. Allele origin: germline.
Comment: This sequence change replaces alanine, which is neutral and non-polar, with valine, which is neutral and non-polar, at codon 2692 of the PCNT protein (p.Ala2692Val). This variant is present in population databases (rs776129482, gnomAD 0.01%). This variant has not been reported in the literature in individuals affected with PCNT-related conditions. Algorithms developed to predict the effect of missense changes on protein structure and function output the following: SIFT: "Tolerated"; PolyPhen-2: "Possibly Damaging"; Align-GVGD: "Class C0". The valine amino acid residue is found in multiple mammalian species, which suggests that this missense change does not adversely affect protein function. In summary, the available evidence is currently insufficient to determine the role of this variant in disease. Therefore, it has been classified as a Variant of Uncertain Significance.